The following is an entry in ClinVar:

ClinVar aggregate classification (germline): Uncertain significance (1 of 4 stars; one submission).

Conditions:
Cardiovascular phenotype. Identifiers: MedGen CN230736.

Submission:

Ambry Genetics
Classification: Uncertain significance for Cardiovascular phenotype. Last evaluated: 2023-06-09. Review status: criteria provided, single submitter. Criteria: Ambry Variant Classification Scheme 2023. Collection method: clinical testing. Allele origin: germline.
Comment: The p.A3698V variant (also known as c.11093C>T), located in coding exon 2 of the ZNF469 gene, results from a C to T substitution at nucleotide position 11093. The alanine at codon 3698 is replaced by valine, an amino acid with similar properties. This amino acid position is conserved. In addition, this alteration is predicted to be tolerated by in silico analysis. Since supporting evidence is limited at this time, the clinical significance of this alteration remains unclear.

NM_001367624.2(ZNF469):c.11177C>T (p.Ala3726Val)

Gene: ZNF469 (zinc finger protein 469; plus strand). Cytogenetic location: 16q24.2.
Variant type: single nucleotide variant.
Coding change: c.11177C>T on transcript NM_001367624.2 (MANE Select); coding-DNA position 11177, C replaced by T.
Protein change: p.Ala3726Val; replaces alanine 3726 with valine.
Molecular consequence: missense variant.
Genome position (GRCh38, 1-based): chr16:88,438,647, C>T. VCF-style: chr16-88438647-C-T. GRCh37 (hg19) VCF-style: chr16-88505055-C-T.
Other names: NM_001127464.1:c.11093C>T; short protein forms A3726V.
Identifiers: ClinVar variation 2564279 (VCV002564279.2), dbSNP rs2507608495, ClinGen allele CA397129284.